The following is an entry in ClinVar:

ClinVar aggregate classification (germline): Likely benign. Review status: criteria provided, multiple submitters, no conflicts (2 of 4 stars). 5 submissions from 3 submitters: Likely benign (5). Last evaluated 2024-11-07.

Conditions:
Joubert syndrome with renal defect. Also called: JOUBERT SYNDROME 4. Identifiers: Orphanet 220497, MedGen C1846790, MONDO:0012308, OMIM 609583.
Senior-Loken syndrome 1 (SLSN1). Also called: JUVENILE NEPHRONOPHTHISIS WITH LEBER AMAUROSIS. Identifiers: Orphanet 3156, MedGen C4551559, MONDO:0009962, OMIM 266900.
Nephronophthisis 1 (NPHP1). Also called: Nephronophthisis familial juvenile. Identifiers: Orphanet 655, Orphanet 93592, MedGen C1855681, MONDO:0009728, OMIM 256100.

Allele frequency attached by ClinVar (database versions not stated): gnomAD 0.00001 and 0.00018; TOPMed 0.00005; gnomAD exomes 0.00040 and 0.00090; ExAC 0.00107; 1000 Genomes Project 0.00180; 1000 Genomes Project 30x 0.00187.
gnomAD v4.1: 617 of 1,613,558 alleles (0.038%); highest among the groups gnomAD compares: South Asian, 0.64%; 3 homozygotes.

Submissions (5):

Blueprint Genetics
Classification: Likely benign. Last evaluated: 2024-11-07. Review status: criteria provided, single submitter. Criteria: ACMG Guidelines, 2015. Collection method: clinical testing. Allele origin: germline.

GeneDx
Classification: Likely benign. Last evaluated: 2020-04-19. Review status: criteria provided, single submitter. Criteria: GeneDx Variant Classification Process June 2021. Collection method: clinical testing. Allele origin: germline. Affected: yes.

Illumina Laboratory Services, Illumina
Classification: Likely benign for Senior-Loken syndrome 1. Last evaluated: 2018-01-13. Review status: criteria provided, single submitter. Criteria: ICSL Variant Classification Criteria 13 December 2019. Collection method: clinical testing. Allele origin: germline.
Comment: This variant was observed in the ICSL laboratory as part of a predisposition screen in an ostensibly healthy population. It had not been previously curated by ICSL or reported in the Human Gene Mutation Database (HGMD: prior to June 1st, 2018), and was therefore a candidate for classification through an automated scoring system. Utilizing variant allele frequency, disease prevalence and penetrance estimates, and inheritance mode, an automated score was calculated to assess if this variant is too frequent to cause the disease. Based on the score and internal cut-off values, a variant classified as likely benign is not then subjected to further curation. The score for this variant resulted in a classification of likely benign for this disease.

Illumina Laboratory Services, Illumina
Classification: Likely benign for Nephronophthisis 1. Last evaluated: 2018-01-13. Review status: criteria provided, single submitter. Criteria: ICSL Variant Classification Criteria 13 December 2019. Collection method: clinical testing. Allele origin: germline.
Comment: the same text as in the submission from Illumina Laboratory Services, Illumina above.

Illumina Laboratory Services, Illumina
Classification: Likely benign for Joubert syndrome with renal defect. Last evaluated: 2018-01-13. Review status: criteria provided, single submitter. Criteria: ICSL Variant Classification Criteria 13 December 2019. Collection method: clinical testing. Allele origin: germline.
Comment: the same text as in the submission from Illumina Laboratory Services, Illumina above.

NM_001128178.3(NPHP1):c.-17G>A

Gene: NPHP1 (nephrocystin 1; minus strand). Cytogenetic location: 2q13.
Variant type: single nucleotide variant.
Coding change: c.-17G>A on transcript NM_001128178.3 (MANE Select); 17 bases upstream of the start codon, G replaced by A.
Molecular consequence: 5 prime UTR variant.
Genome position (GRCh38, 1-based): chr2:110,204,985, C>T on the plus strand (G>A on the coding strand, the complement: NPHP1 is on the minus strand). VCF-style: chr2-110204985-C-T. GRCh37 (hg19) VCF-style: chr2-110962562-C-T.
Other names: c.-17G>A (NM_000272.5, NM_001128179.3, NM_001374256.1 and 2 more transcripts).
Identifiers: ClinVar variation 893478 (VCV000893478.8), dbSNP rs566875282, ClinGen allele CA1827554.